The following is an entry in ClinVar:

ClinVar aggregate classification (germline): Benign (0 of 4 stars; one submission).

Conditions:
DNHD1-related disorder. Also called: DNHD1-related condition.

Allele frequency attached by ClinVar (database versions not stated): 1000 Genomes Project 0.48842; 1000 Genomes Project 30x 0.49516; ExAC 0.50969; gnomAD exomes 0.51980; gnomAD 0.54683; TOPMed 0.55526; ESP Exome Variant Server 0.57950.
gnomAD v4.1: 839,282 of 1,608,342 alleles (52%); highest among the groups gnomAD compares: African/African-American, 66%; 223,522 homozygotes.

Submission:

PreventionGenetics, part of Exact Sciences
Classification: Benign for DNHD1-related condition. Last evaluated: 2022-10-28. Review status: no assertion criteria provided. Collection method: clinical testing. Allele origin: germline.
Comment: This variant is classified as benign based on ACMG/AMP sequence variant interpretation guidelines (Richards et al. 2015 PMID: 25741868, with internal and published modifications).

NM_144666.3(DNHD1):c.719T>A (p.Val240Glu)

Gene: DNHD1 (dynein heavy chain domain 1; plus strand). Cytogenetic location: 11p15.4.
Variant type: single nucleotide variant.
Coding change: c.719T>A on transcript NM_144666.3 (MANE Select); coding-DNA position 719, T replaced by A.
Protein change: p.Val240Glu; replaces valine 240 with glutamic acid.
Molecular consequence: missense variant.
Genome position (GRCh38, 1-based): chr11:6,498,934, T>A. VCF-style: chr11-6498934-T-A. GRCh37 (hg19) VCF-style: chr11-6520164-T-A.
Other names: c.719T>A, p.Val240Glu (NM_173589.4); short protein forms V240E.
Identifiers: ClinVar variation 3059265 (VCV003059265.2), dbSNP rs2555158, ClinGen allele CA5855378.